The following is an entry in ClinVar:

ClinVar aggregate classification (germline): Pathogenic. Review status: criteria provided, multiple submitters, no conflicts (2 of 4 stars). 2 submissions from 2 submitters: Pathogenic (2). Last evaluated 2024-01-05.

Conditions:
Basal cell carcinoma, susceptibility to, 1. Also called: BCC1. Identifiers: MedGen C2751544, MONDO:0011556, OMIM 605462.
Basal cell nevus syndrome 1 (BCNS1). Also called: GORLIN-GOLTZ SYNDROME; MULTIPLE BASAL CELL NEVI, ODONTOGENIC KERATOCYSTS, AND SKELETAL ANOMALIES. Identifiers: MedGen CN376810, MONDO:0958174, OMIM 109400.
Holoprosencephaly 7 (HPE7). Identifiers: Orphanet 2162, MedGen C1835820, MONDO:0012562, OMIM 610828.
Gorlin syndrome. Also called: Nevoid Basal Cell Carcinoma Syndrome; Basal cell nevus syndrome. Identifiers: Orphanet 377, MedGen C0004779, MONDO:0007187.

Submissions (2):

Fulgent Genetics
Classification: Pathogenic for Basal cell nevus syndrome 1; Basal cell carcinoma, susceptibility to, 1; Holoprosencephaly 7. Last evaluated: 2024-01-05. Review status: criteria provided, single submitter. Criteria: ACMG Guidelines, 2015. Collection method: clinical testing. Allele origin: germline.

Labcorp Genetics (formerly Invitae), Labcorp
Classification: Pathogenic for Gorlin syndrome. Last evaluated: 2020-08-26. Review status: criteria provided, single submitter. Criteria: Invitae Variant Classification Sherloc (09022015). Collection method: clinical testing. Allele origin: germline.
Comment: For these reasons, this variant has been classified as Pathogenic. This sequence change affects a donor splice site in intron 11 of the PTCH1 gene. It is expected to disrupt RNA splicing and likely results in an absent or disrupted protein product. This variant is not present in population databases (ExAC no frequency). Disruption of this splice site has been observed in individual(s) with nevoid basal cell carcinoma syndrome (PMID: 16301862, Invitae). ClinVar contains an entry for this variant (Variation ID: 409158). Algorithms developed to predict the effect of sequence changes on RNA splicing suggest that this variant may disrupt the consensus splice site, but this prediction has not been confirmed by published transcriptional studies. Donor and acceptor splice site variants typically lead to a loss of protein function (PMID: 16199547), and loss-of-function variants in PTCH1 are known to be pathogenic (PMID: 16301862, 16419085).

Literature cited by the submitters: PubMed 16301862 (cited by Labcorp Genetics (formerly Invitae), Labcorp); PubMed 16199547 (cited by Labcorp Genetics (formerly Invitae), Labcorp); PubMed 16419085 (cited by Labcorp Genetics (formerly Invitae), Labcorp).

NM_000264.5(PTCH1):c.1602+1G>T

Gene: PTCH1 (patched 1; minus strand). Cytogenetic location: 9q22.32.
Variant type: single nucleotide variant.
Coding change: c.1602+1G>T on transcript NM_000264.5 (MANE Select); the canonical splice donor site of the intron after coding-DNA position 1602, G replaced by T.
Molecular consequence: splice donor variant.
Genome position (GRCh38, 1-based): chr9:95,476,758, C>A on the plus strand (G>T on the coding strand, the complement: PTCH1 is on the minus strand). VCF-style: chr9-95476758-C-A. GRCh37 (hg19) VCF-style: chr9-98239040-C-A.
Other names: c.1599+1G>T (NM_001083603.3); c.1404+1G>T (NM_001083602.3); c.1446+1G>T (NM_001354918.2); c.1149+1G>T (NM_001083605.3, NM_001083604.3, NM_001083606.3 and 1 more transcripts).
Identifiers: ClinVar variation 409158 (VCV000409158.10), dbSNP rs1060502277, ClinGen allele CA16612681.